The following is an entry in ClinVar:

ClinVar aggregate classification (germline): Uncertain significance. Review status: criteria provided, multiple submitters, no conflicts (2 of 4 stars). 3 submissions from 3 submitters: Uncertain significance (3). Last evaluated 2026-01-01.

Conditions:
DYRK1A-related intellectual disability syndrome (MRD7). Also called: DYRK1A Syndrome; Intellectual developmental disorder, autosomal dominant 7. Identifiers: Orphanet 464306, MedGen C5568143, MONDO:0013578, OMIM 614104.

Submissions (3):

GeneDx
Classification: Uncertain significance. Last evaluated: 2026-01-01. Review status: criteria provided, single submitter. Criteria: GeneDx Variant Classification Process June 2021. Collection method: clinical testing. Allele origin: germline. Affected: yes.
Comment: Frameshift variant predicted to result in abnormal protein length as the last 14 amino acids are replaced with 12 different amino acids; Has not been previously published as pathogenic or benign to our knowledge

Labcorp Genetics (formerly Invitae), Labcorp
Classification: Uncertain significance for DYRK1A-related intellectual disability syndrome. Last evaluated: 2024-10-22. Review status: criteria provided, single submitter. Criteria: Invitae Variant Classification Sherloc (09022015). Collection method: clinical testing. Allele origin: germline.
Comment: This sequence change creates a premature translational stop signal (p.Met750Hisfs*13) in the DYRK1A gene. While this is not anticipated to result in nonsense mediated decay, it is expected to disrupt the last 14 amino acid(s) of the DYRK1A protein. This variant is not present in population databases (gnomAD no frequency). This variant has not been reported in the literature in individuals affected with DYRK1A-related conditions. ClinVar contains an entry for this variant (Variation ID: 1047506). Experimental studies and prediction algorithms are not available or were not evaluated, and the functional significance of this variant is currently unknown. In summary, the available evidence is currently insufficient to determine the role of this variant in disease. Therefore, it has been classified as a Variant of Uncertain Significance.

Women's Health and Genetics/Laboratory Corporation of America, LabCorp
Classification: Uncertain significance. Last evaluated: 2023-08-25. Review status: criteria provided, single submitter. Criteria: LabCorp Variant Classification Summary - May 2015. Collection method: clinical testing. Allele origin: germline.
Comment: Variant summary: DYRK1A c.2247dupC (p.Met750HisfsX13) results in a premature termination codon, predicted to cause a truncation of the encoded protein, however nonsense mediated decay is not expected. The variant was absent in 251396 control chromosomes. The available data on variant occurrences in the general population are insufficient to allow any conclusion about variant significance. To our knowledge, no occurrence of c.2247dupC in individuals affected with Mental Retardation, Autosomal Dominant 7 and no experimental evidence demonstrating its impact on protein function have been reported. Two submitters have cited clinical-significance assessments for this variant to ClinVar after 2014. All submitters classified the variant as uncertain significance. Based on the evidence outlined above, the variant was classified as uncertain significance.

NM_001347721.2(DYRK1A):c.2220dup (p.Met741fs)

Gene: DYRK1A (dual specificity tyrosine phosphorylation regulated kinase 1A; plus strand). Cytogenetic location: 21q22.13.
Variant type: Duplication.
Coding change: c.2220dup on transcript NM_001347721.2 (MANE Select); coding-DNA position 2220, one base duplicated (C; older notation c.2220dupC).
Protein change: p.Met741fs; shifts the reading frame from methionine 741.
Molecular consequence: frameshift variant. On other transcripts: 3 prime UTR variant (2).
Genome position (GRCh38, 1-based): chr21:37,512,486, C duplicated; the last of 5 consecutive C bases (chr21:37,512,482-37,512,486); duplicating any one gives the same sequence. VCF-style (leftmost placement, unchanged base first): chr21-37512481-T-TC. GRCh37 (hg19) VCF-style: chr21-38884784-T-TC.
Other names: c.2220dup, p.Met741fs (NM_001347722.2, NM_130436.2); c.2133dup, p.Met712fs (NM_001347723.2); c.2247dup, p.Met750fs (NM_001396.5); c.*623dup (NM_101395.2); c.*532dup (NM_130438.2); c.2247dupC (NM_001396.4); short protein forms M712fs, M750fs, M741fs.
Identifiers: ClinVar variation 1047506 (VCV001047506.13), dbSNP rs2053783768, ClinGen allele CA1022214303.